The following is an entry in ClinVar:

ClinVar aggregate classification (germline): Benign. Review status: criteria provided, multiple submitters, no conflicts (2 of 4 stars). 3 submissions from 3 submitters: Benign (2). 1 of the submissions does not count toward it. Last evaluated 2018-05-21.

Conditions:
EXO1-related disorder. Also called: EXO1-related condition.

Allele frequency attached by ClinVar (database versions not stated): gnomAD exomes 0.00126 and 0.00324; ExAC 0.00411; 1000 Genomes Project 0.01058; 1000 Genomes Project 30x 0.01077; gnomAD 0.01340 and 0.01454; ESP Exome Variant Server 0.01476; TOPMed 0.01528.

Submissions (3):

Labcorp Genetics (formerly Invitae), Labcorp
Classification: Benign. Last evaluated: 2018-05-21. Review status: criteria provided, single submitter. Criteria: Invitae Variant Classification Sherloc (09022015). Collection method: clinical testing. Allele origin: germline.

Breakthrough Genomics
Classification: Benign. Review status: criteria provided, single submitter. Criteria: ACMG Guidelines, 2015. Collection method: not provided. Allele origin: germline. Inheritance: Unknown mechanism. Affected: yes.

PreventionGenetics, part of Exact Sciences
Classification: Benign for EXO1-related condition. Last evaluated: 2019-02-16. Review status: no assertion criteria provided. Collection method: clinical testing. Allele origin: germline. Not counted in ClinVar's aggregate classification.
Comment: This variant is classified as benign based on ACMG/AMP sequence variant interpretation guidelines (Richards et al. 2015 PMID: 25741868, with internal and published modifications).

NM_130398.4(EXO1):c.99C>T (p.Cys33=)

Gene: EXO1 (exonuclease 1; plus strand). Cytogenetic location: 1q43.
Variant type: single nucleotide variant.
Coding change: c.99C>T on transcript NM_130398.4 (MANE Select); coding-DNA position 99, C replaced by T.
Protein change: p.Cys33=; no amino-acid change (cysteine 33 retained).
Molecular consequence: synonymous variant.
Genome position (GRCh38, 1-based): chr1:241,850,524, C>T. VCF-style: chr1-241850524-C-T. GRCh37 (hg19) VCF-style: chr1-242013826-C-T.
Other names: c.99C>T, p.Cys33= (NM_006027.4, NM_001319224.2, NM_003686.4); c.99C>T (NM_130398.3).
Identifiers: ClinVar variation 767769 (VCV000767769.6), dbSNP rs4149857, ClinGen allele CA1480897.